The following is an entry in ClinVar:

NM_001242896.3(DEPDC5):c.2659C>A (p.His887Asn)

Gene: DEPDC5 (DEP domain containing 5, GATOR1 subcomplex subunit; plus strand). Cytogenetic location: 22q12.3.
Variant type: single nucleotide variant.
Coding change: c.2659C>A on transcript NM_001242896.3 (MANE Select); coding-DNA position 2659, C replaced by A.
Protein change: p.His887Asn; replaces histidine 887 with asparagine.
Molecular consequence: missense variant. On other transcripts: non-coding transcript variant (5).
Genome position (GRCh38, 1-based): chr22:31,843,670, C>A. VCF-style: chr22-31843670-C-A. GRCh37 (hg19) VCF-style: chr22-32239656-C-A.
Other names: c.2659C>A (NM_001242896.1); c.2632C>A, p.His878Asn (NM_001136029.4, NM_001369903.1, NM_014662.6); c.2425C>A, p.His809Asn (NM_001242897.2, NM_001363854.2, NM_001364319.2); c.2659C>A, p.His887Asn (NM_001363852.2, NM_001364318.2, NM_001364320.2); c.2575C>A, p.His859Asn (NM_001369901.1, NM_001369902.1); short protein forms H887N, H809N, H859N, H878N.
Identifiers: ClinVar variation 1464652 (VCV001464652.9), dbSNP rs751284078, ClinGen allele CA10196777.

ClinVar aggregate classification (germline): Uncertain significance. Review status: criteria provided, multiple submitters, no conflicts (2 of 4 stars). 2 submissions from 2 submitters: Uncertain significance (2). Last evaluated 2025-04-19.

Conditions:
Familial focal epilepsy with variable foci (FPEVF). Identifiers: Orphanet 98820, MedGen C1858477, MONDO:0020310.
Inborn genetic diseases. Identifiers: MedGen C0950123, MeSH D030342.

Allele frequency attached by ClinVar (database versions not stated): gnomAD exomes below 0.00001; ExAC 0.00001.
gnomAD v4.1: 2 of 1,609,772 alleles (0.00012%); highest among the groups gnomAD compares: Admixed American, 0.0033%; no homozygotes.

Submissions (2):

Ambry Genetics
Classification: Uncertain significance for Inborn genetic diseases. Last evaluated: 2025-04-19. Review status: criteria provided, single submitter. Criteria: Ambry Variant Classification Scheme 2023. Collection method: clinical testing. Allele origin: germline.

Labcorp Genetics (formerly Invitae), Labcorp
Classification: Uncertain significance for Familial focal epilepsy with variable foci. Last evaluated: 2022-06-13. Review status: criteria provided, single submitter. Criteria: Invitae Variant Classification Sherloc (09022015). Collection method: clinical testing. Allele origin: germline.
Comment: This variant is present in population databases (rs751284078, gnomAD 0.003%). This variant has not been reported in the literature in individuals affected with DEPDC5-related conditions. Algorithms developed to predict the effect of missense changes on protein structure and function output the following: SIFT: "Tolerated"; PolyPhen-2: "Not Available"; Align-GVGD: "Class C0". The asparagine amino acid residue is found in multiple mammalian species, which suggests that this missense change does not adversely affect protein function. In summary, the available evidence is currently insufficient to determine the role of this variant in disease. Therefore, it has been classified as a Variant of Uncertain Significance. This sequence change replaces histidine, which is basic and polar, with asparagine, which is neutral and polar, at codon 887 of the DEPDC5 protein (p.His887Asn).